The following is an entry in ClinVar:

ClinVar aggregate classification (germline): Likely benign. Review status: criteria provided, single submitter (1 of 4 stars). 2 submissions from 2 submitters: Likely benign (1). 1 of the submissions does not count toward it. Last evaluated 2025-10-26.

Conditions:
FAT4-related disorder. Also called: FAT4-related condition.

gnomAD v4.1: 4 of 1,614,136 alleles (0.00025%); highest among the groups gnomAD compares: Non-Finnish European, 0.00034%; no homozygotes.

Submissions (2):

Labcorp Genetics (formerly Invitae), Labcorp
Classification: Likely benign. Last evaluated: 2025-10-26. Review status: criteria provided, single submitter. Criteria: Invitae Variant Classification Sherloc (09022015). Collection method: clinical testing. Allele origin: germline.

PreventionGenetics, part of Exact Sciences
Classification: Likely benign for FAT4-related condition. Last evaluated: 2023-08-08. Review status: no assertion criteria provided. Collection method: clinical testing. Allele origin: germline. Not counted in ClinVar's aggregate classification.
Comment: This variant is classified as likely benign based on ACMG/AMP sequence variant interpretation guidelines (Richards et al. 2015 PMID: 25741868, with internal and published modifications).

NM_001291303.3(FAT4):c.10578C>A (p.Gly3526=)

Gene: FAT4 (FAT atypical cadherin 4; plus strand). Cytogenetic location: 4q28.1.
Variant type: single nucleotide variant.
Coding change: c.10578C>A on transcript NM_001291303.3 (MANE Select); coding-DNA position 10578, C replaced by A.
Protein change: p.Gly3526=; no amino-acid change (glycine 3526 retained).
Molecular consequence: synonymous variant.
Genome position (GRCh38, 1-based): chr4:125,451,588, C>A. VCF-style: chr4-125451588-C-A. GRCh37 (hg19) VCF-style: chr4-126372743-C-A.
Other names: c.10572C>A (NM_024582.4); c.10578C>A, p.Gly3526= (NM_001291285.3); c.10572C>A, p.Gly3524= (NM_024582.6).
Identifiers: ClinVar variation 2744336 (VCV002744336.5), dbSNP rs770783630, ClinGen allele CA3073707.